The following is an entry in ClinVar:

ClinVar aggregate classification (germline): Uncertain significance (1 of 4 stars; one submission).

gnomAD v4.1: 6 of 1,613,114 alleles (0.00037%); highest among the groups gnomAD compares: African/African-American, 0.0067%; no homozygotes.

Submission:

Labcorp Genetics (formerly Invitae), Labcorp
Classification: Uncertain significance. Last evaluated: 2025-04-29. Review status: criteria provided, single submitter. Criteria: Invitae Variant Classification Sherloc (09022015). Collection method: clinical testing. Allele origin: germline.
Comment: This sequence change replaces threonine, which is neutral and polar, with isoleucine, which is neutral and non-polar, at codon 685 of the DDR2 protein (p.Thr685Ile). This variant is not present in population databases (gnomAD no frequency). This variant has not been reported in the literature in individuals affected with DDR2-related conditions. An algorithm developed to predict the effect of missense changes on protein structure and function outputs the following: PolyPhen-2: "Benign". The isoleucine amino acid residue is found in multiple mammalian species, which suggests that this missense change does not adversely affect protein function. In summary, the available evidence is currently insufficient to determine the role of this variant in disease. Therefore, it has been classified as a Variant of Uncertain Significance.

NM_006182.4(DDR2):c.2054C>T (p.Thr685Ile)

Gene: DDR2 (discoidin domain receptor tyrosine kinase 2; plus strand). Cytogenetic location: 1q23.3.
Variant type: single nucleotide variant.
Coding change: c.2054C>T on transcript NM_006182.4 (MANE Select); coding-DNA position 2054, C replaced by T.
Protein change: p.Thr685Ile; replaces threonine 685 with isoleucine.
Molecular consequence: missense variant.
Genome position (GRCh38, 1-based): chr1:162,776,141, C>T. VCF-style: chr1-162776141-C-T. GRCh37 (hg19) VCF-style: chr1-162745931-C-T.
Other names: c.2054C>T, p.Thr685Ile (NM_001014796.3, NM_001354982.2, NM_001354983.2); short protein forms T685I.
Identifiers: ClinVar variation 4708368 (VCV004708368.1).